The following is an entry in ClinVar:

ClinVar aggregate classification (germline): Uncertain significance (1 of 4 stars; one submission).

Conditions:
Progressive familial heart block type IB (PFHB1B). Identifiers: Orphanet 871, MedGen C1970298, MONDO:0011474, OMIM 604559.

Submission:

Labcorp Genetics (formerly Invitae), Labcorp
Classification: Uncertain significance for Progressive familial heart block type IB. Last evaluated: 2025-07-22. Review status: criteria provided, single submitter. Criteria: Invitae Variant Classification Sherloc (09022015). Collection method: clinical testing. Allele origin: germline.
Comment: This sequence change replaces glycine, which is neutral and non-polar, with arginine, which is basic and polar, at codon 785 of the TRPM4 protein (p.Gly785Arg). This variant is not present in population databases (gnomAD no frequency). This variant has not been reported in the literature in individuals affected with TRPM4-related conditions. An algorithm developed to predict the effect of missense changes on protein structure and function (PolyPhen-2) suggests that this variant is likely to be disruptive. In summary, the available evidence is currently insufficient to determine the role of this variant in disease. Therefore, it has been classified as a Variant of Uncertain Significance.

NM_017636.4(TRPM4):c.2353G>C (p.Gly785Arg)

Gene: TRPM4 (transient receptor potential cation channel subfamily M member 4; plus strand). Cytogenetic location: 19q13.33.
Variant type: single nucleotide variant.
Coding change: c.2353G>C on transcript NM_017636.4 (MANE Select); coding-DNA position 2353, G replaced by C.
Protein change: p.Gly785Arg; replaces glycine 785 with arginine.
Molecular consequence: missense variant. On other transcripts: intron variant (1).
Genome position (GRCh38, 1-based): chr19:49,196,582, G>C. VCF-style: chr19-49196582-G-C. GRCh37 (hg19) VCF-style: chr19-49699839-G-C.
Other names: c.2008G>C, p.Gly670Arg (NM_001321281.2); c.745G>C, p.Gly249Arg (NM_001321282.2); c.1831G>C, p.Gly611Arg (NM_001321283.2); c.1291G>C, p.Gly431Arg (NM_001321285.2); c.2211-3718G>C (NM_001195227.2); short protein forms G249R, G431R, G611R, G670R, G785R.
Identifiers: ClinVar variation 4798981 (VCV004798981.1).